The following is an entry in ClinVar:

ClinVar aggregate classification (germline): Uncertain significance (1 of 4 stars; one submission).

Conditions:
Methylcobalamin deficiency type cblG (HMAG). Also called: Functional methionine synthase deficiency type cblG; HOMOCYSTINURIA-MEGALOBLASTIC ANEMIA, cblG TYPE; HOMOCYSTINURIA-MEGALOBLASTIC ANEMIA DUE TO DEFECT IN COBALAMIN METABOLISM, cblG COMPLEMENTATION TYPE; HOMOCYSTINURIA-MEGALOBLASTIC ANEMIA, cblG COMPLEMENTATION TYPE. Identifiers: Orphanet 2170, Orphanet 622, MedGen C1855128, MONDO:0009609, OMIM 250940.

Allele frequency attached by ClinVar (database versions not stated): TOPMed below 0.00001; gnomAD 0.00001.
gnomAD v4.1: 2 of 1,612,992 alleles (0.00012%); highest among the groups gnomAD compares: Admixed American, 0.0033%; no homozygotes.

Submission:

Labcorp Genetics (formerly Invitae), Labcorp
Classification: Uncertain significance for Methylcobalamin deficiency type cblG. Last evaluated: 2024-12-09. Review status: criteria provided, single submitter. Criteria: Invitae Variant Classification Sherloc (09022015). Collection method: clinical testing. Allele origin: germline.
Comment: This sequence change replaces cysteine, which is neutral and slightly polar, with tyrosine, which is neutral and polar, at codon 255 of the MTR protein (p.Cys255Tyr). This variant also falls at the last nucleotide of exon 8, which is part of the consensus splice site for this exon. This variant is present in population databases (rs1140598, gnomAD 0.006%). This variant has not been reported in the literature in individuals affected with MTR-related conditions. ClinVar contains an entry for this variant (Variation ID: 1989552). Invitae Evidence Modeling of protein sequence and biophysical properties (such as structural, functional, and spatial information, amino acid conservation, physicochemical variation, residue mobility, and thermodynamic stability) indicates that this missense variant is expected to disrupt MTR protein function with a positive predictive value of 95%. Variants that disrupt the consensus splice site are a relatively common cause of aberrant splicing (PMID: 17576681, 9536098). In summary, the available evidence is currently insufficient to determine the role of this variant in disease. Therefore, it has been classified as a Variant of Uncertain Significance.

Literature cited by the submitters: PubMed 17576681; PubMed 9536098.

NM_000254.3(MTR):c.764G>A (p.Cys255Tyr)

Gene: MTR (5-methyltetrahydrofolate-homocysteine methyltransferase; plus strand). Cytogenetic location: 1q43.
Variant type: single nucleotide variant.
Coding change: c.764G>A on transcript NM_000254.3 (MANE Select); coding-DNA position 764, G replaced by A.
Protein change: p.Cys255Tyr; replaces cysteine 255 with tyrosine.
Molecular consequence: missense variant. On other transcripts: 5 prime UTR variant (1).
Genome position (GRCh38, 1-based): chr1:236,816,543, G>A. VCF-style: chr1-236816543-G-A. GRCh37 (hg19) VCF-style: chr1-236979843-G-A.
Other names: c.764G>A, p.Cys255Tyr (NM_001291939.1, NM_001410942.1); c.-345G>A (NM_001291940.2); short protein forms C255Y.
Identifiers: ClinVar variation 1989552 (VCV001989552.3), dbSNP rs1140598, ClinGen allele CA345386629.